The following is an entry in ClinVar:

NM_201384.3(PLEC):c.1936G>C (p.Asp646His)

Gene: PLEC (plectin; minus strand). Cytogenetic location: 8q24.3.
Variant type: single nucleotide variant.
Coding change: c.1936G>C on transcript NM_201384.3 (MANE Select); coding-DNA position 1936, G replaced by C.
Protein change: p.Asp646His; replaces aspartic acid 646 with histidine.
Molecular consequence: missense variant.
Genome position (GRCh38, 1-based): chr8:143,932,441, C>G on the plus strand (G>C on the coding strand, the complement: PLEC is on the minus strand). VCF-style: chr8-143932441-C-G. GRCh37 (hg19) VCF-style: chr8-145006609-C-G.
Other names: c.2017G>C, p.Asp673His (NM_000445.5, NM_001410941.1); c.1894G>C, p.Asp632His (NM_201378.4); c.1870G>C, p.Asp624His (NM_201379.3); c.2347G>C, p.Asp783His (NM_201380.4); c.1840G>C, p.Asp614His (NM_201381.3); c.1936G>C, p.Asp646His (NM_201382.4); c.1948G>C, p.Asp650His (NM_201383.3); short protein forms D614H, D650H, D783H, D624H, D632H, D646H, D673H.
Identifiers: ClinVar variation 2142419 (VCV002142419.4), dbSNP rs371273735, ClinGen allele CA4927786.

ClinVar aggregate classification (germline): Uncertain significance (1 of 4 stars; one submission).

Conditions:
Epidermolysis bullosa simplex with nail dystrophy (EBS5D). Identifiers: MedGen C4225309, MONDO:0014661, OMIM 616487.
Epidermolysis bullosa simplex 5C, with pyloric atresia (EBS5C). Also called: Epidermolysis bullosa simplex with pyloric atresia; PLEC-Related Epidermolysis Bullosa with Pyloric Atresia; PLEC1-Related Epidermolysis Bullosa with Pyloric Atresia. Identifiers: Orphanet 158684, MedGen C2677349, MONDO:0012807, OMIM 612138.
Autosomal recessive limb-girdle muscular dystrophy type 2Q (LGMDR17). Also called: MUSCULAR DYSTROPHY, LIMB-GIRDLE, AUTOSOMAL RECESSIVE 17. Identifiers: Orphanet 254361, MedGen C3150989, MONDO:0013390, OMIM 613723.
Epidermolysis bullosa simplex 5B, with muscular dystrophy (EBS5B). Also called: Epidermolysis bullosa simplex with muscular dystrophy; EPIDERMOLYSIS BULLOSA SIMPLEX AND LIMB-GIRDLE MUSCULAR DYSTROPHY. Identifiers: Orphanet 257, MedGen C2931072, MONDO:0009181, OMIM 226670.
Epidermolysis bullosa simplex, Ogna type (EBS5A). Also called: Pidermolysis bullosa simplex 5A, Ogna type; EPIDERMOLYSIS BULLOSA SIMPLEX 5A, OGNA TYPE. Identifiers: Orphanet 79401, MedGen C0432317, MONDO:0007555, OMIM 131950.

gnomAD v4.1: 3 of 1,612,820 alleles (0.00019%); highest among the groups gnomAD compares: Admixed American, 0.0017%; no homozygotes.

Submission:

Labcorp Genetics (formerly Invitae), Labcorp
Classification: Uncertain significance for Autosomal recessive limb-girdle muscular dystrophy type 2Q; Epidermolysis bullosa simplex, Ogna type; Epidermolysis bullosa simplex with nail dystrophy; Epidermolysis bullosa simplex 5C, with pyloric atresia; Epidermolysis bullosa simplex 5B, with muscular dystrophy. Last evaluated: 2022-04-08. Review status: criteria provided, single submitter. Criteria: Invitae Variant Classification Sherloc (09022015). Collection method: clinical testing. Allele origin: germline.
Comment: This sequence change replaces aspartic acid, which is acidic and polar, with histidine, which is basic and polar, at codon 673 of the PLEC protein (p.Asp673His). This variant is present in population databases (rs371273735, gnomAD 0.003%). This variant has not been reported in the literature in individuals affected with PLEC-related conditions. Algorithms developed to predict the effect of missense changes on protein structure and function are either unavailable or do not agree on the potential impact of this missense change (SIFT: "Deleterious"; PolyPhen-2: "Not Available"; Align-GVGD: "Class C0"). In summary, the available evidence is currently insufficient to determine the role of this variant in disease. Therefore, it has been classified as a Variant of Uncertain Significance.